The following is an entry in ClinVar:

NM_030912.3(TRIM8):c.795C>T (p.Asn265=)

Gene: TRIM8 (tripartite motif containing 8; plus strand). Cytogenetic location: 10q24.32.
Variant type: single nucleotide variant.
Coding change: c.795C>T on transcript NM_030912.3 (MANE Select); coding-DNA position 795, C replaced by T.
Protein change: p.Asn265=; no amino-acid change (asparagine 265 retained).
Molecular consequence: synonymous variant. On other transcripts: non-coding transcript variant (1).
Genome position (GRCh38, 1-based): chr10:102,655,208, C>T. VCF-style: chr10-102655208-C-T. GRCh37 (hg19) VCF-style: chr10-104414965-C-T.
Other names: c.699C>T, p.Asn233= (NM_001345950.1).
Identifiers: ClinVar variation 2143350 (VCV002143350.29), dbSNP rs372442077, ClinGen allele CA5668163.

ClinVar aggregate classification (germline): Likely benign. Review status: criteria provided, multiple submitters, no conflicts (2 of 4 stars). 3 submissions from 3 submitters: Likely benign (3). Last evaluated 2025-12-19.

Allele frequency attached by ClinVar (database versions not stated): gnomAD 0.00002; ExAC 0.00003; TOPMed 0.00003; gnomAD exomes 0.00004; ESP Exome Variant Server 0.00008.
gnomAD v4.1: 57 of 1,608,132 alleles (0.0035%); highest among the groups gnomAD compares: Middle Eastern, 0.083%; no homozygotes.

Submissions (3):

Labcorp Genetics (formerly Invitae), Labcorp
Classification: Likely benign. Last evaluated: 2025-12-19. Review status: criteria provided, single submitter. Criteria: Invitae Variant Classification Sherloc (09022015). Collection method: clinical testing. Allele origin: germline.

CeGaT Center for Human Genetics Tuebingen
Classification: Likely benign. Last evaluated: 2022-05-01. Review status: criteria provided, single submitter. Criteria: CeGaT Center For Human Genetics Tuebingen Variant Classification Criteria Version 2. Collection method: clinical testing. Allele origin: germline. Affected: yes. Observed: 1 variant allele.
Comment: TRIM8: BP4, BP7

Blueprint Genetics
Classification: Likely benign. Last evaluated: 2021-08-25. Review status: criteria provided, single submitter. Criteria: ACMG Guidelines, 2015. Collection method: clinical testing. Allele origin: germline.